The following is an entry in ClinVar:

ClinVar aggregate classification (germline): Uncertain significance (1 of 4 stars; one submission).

Submission:

Dasa
Classification: Uncertain significance. Last evaluated: 2025-09-26. Review status: criteria provided, single submitter. Criteria: DASA Assertion Criteria. Collection method: clinical testing. Allele origin: germline.
Comment: NM_002971.6(SATB1):c.832A>C (p.Thr278Pro) is a missense variant that results in the substitution of threonine with proline. This variant is absent from population databases. The currently available literature and clinical evidence are not sufficient to establish a definitive association between this variant and the reported condition. Therefore, this variant is classified as a variant of uncertain significance.

NM_002971.6(SATB1):c.832A>C (p.Thr278Pro)

Gene: SATB1 (SATB homeobox 1; minus strand). Cytogenetic location: 3p24.3.
Variant type: single nucleotide variant.
Coding change: c.832A>C on transcript NM_002971.6 (MANE Select); coding-DNA position 832, A replaced by C.
Protein change: p.Thr278Pro; replaces threonine 278 with proline.
Molecular consequence: missense variant.
Genome position (GRCh38, 1-based): chr3:18,394,836, T>G on the plus strand (A>C on the coding strand, the complement: SATB1 is on the minus strand). VCF-style: chr3-18394836-T-G. GRCh37 (hg19) VCF-style: chr3-18436328-T-G.
Other names: c.832A>C, p.Thr278Pro (NM_001131010.4, NM_001195470.3, NM_001322871.2 and 4 more transcripts); c.616A>C, p.Thr206Pro (NM_001322876.2); short protein forms T206P, T278P.
Identifiers: ClinVar variation 4882171 (VCV004882171.2).
Genomic context (GRCh38, chr3:18,394,836, plus strand): 5'-TCCGGACAGAGGGCTGGCTGCCATGGGAGAGCTGCGCAGGGGATGGAGGCTGCTCGGCTG[T>G]GTTCCCTGGAACTGGTTGCTGGCCAAAATTGACATGATTGGCGCCTTGCTGGGATAGCTC-3'
Protein context (NP_002962.1, residues 268-288): NFGQQPVPGN[Thr278Pro]AEQPPSPAQL